The following is an entry in ClinVar:

NM_000059.4(BRCA2):c.2672T>C (p.Val891Ala)

Gene: BRCA2 (BRCA2 DNA repair associated; plus strand). Cytogenetic location: 13q13.1.
Variant type: single nucleotide variant.
Coding change: c.2672T>C on transcript NM_000059.4 (MANE Select); coding-DNA position 2672, T replaced by C.
Protein change: p.Val891Ala; replaces valine 891 with alanine.
Molecular consequence: missense variant.
Genome position (GRCh38, 1-based): chr13:32,337,027, T>C. VCF-style: chr13-32337027-T-C. GRCh37 (hg19) VCF-style: chr13-32911164-T-C.
Other names: short protein forms V891A.
Identifiers: ClinVar variation 1376557 (VCV001376557.9), dbSNP rs1593897497, ClinGen allele CA387773390.

ClinVar aggregate classification (germline): Conflicting classifications of pathogenicity. Review status: criteria provided, conflicting classifications (1 of 4 stars). 2 submissions from 2 submitters: Uncertain significance (1); Likely benign (1). Last evaluated 2023-03-23.

Conditions:
Hereditary cancer-predisposing syndrome. Also called: Neoplastic Syndromes, Hereditary; Hereditary Cancer Syndrome; Tumor predisposition; Hereditary neoplastic syndrome. Identifiers: Orphanet 140162, MedGen C0027672, MeSH D009386, MONDO:0015356.
Hereditary breast ovarian cancer syndrome. Also called: Hereditary breast and ovarian cancer; Hereditary breast and/or ovarian cancer syndrome; Hereditary breast and ovarian cancer syndrome; Hereditary breast and ovarian cancer syndrome (HBOC); Breast and ovarian cancer; BRCA1- and BRCA2-Associated Hereditary Breast and Ovarian Cancer. Identifiers: Orphanet 145, MedGen C0677776, MeSH D061325, MONDO:0003582. Disease mechanism: loss of function.

Submissions (2):

University of Washington Department of Laboratory Medicine, University of Washington
Classification: Likely benign for Hereditary cancer-predisposing syndrome. Last evaluated: 2023-03-23. Review status: criteria provided, single submitter. Criteria: Dines et al. (Genet Med. 2020). Collection method: curation. Allele origin: germline.
Comment: Missense variant in a coldspot region where missense variants are very unlikely to be pathogenic (PMID:31911673).

BRCA2 exon 11 coldspot. Reclassification based on statistical prior probability.

Labcorp Genetics (formerly Invitae), Labcorp
Classification: Uncertain significance for Hereditary breast ovarian cancer syndrome. Last evaluated: 2021-03-02. Review status: criteria provided, single submitter. Criteria: Invitae Variant Classification Sherloc (09022015). Collection method: clinical testing. Allele origin: germline.
Comment: In summary, the available evidence is currently insufficient to determine the role of this variant in disease. Therefore, it has been classified as a Variant of Uncertain Significance. Advanced modeling of protein sequence and biophysical properties (such as structural, functional, and spatial information, amino acid conservation, physicochemical variation, residue mobility, and thermodynamic stability) performed at Invitae indicates that this missense variant is not expected to disrupt BRCA2 protein function. This variant has not been reported in the literature in individuals with BRCA2-related conditions. This variant is not present in population databases (ExAC no frequency). This sequence change replaces valine with alanine at codon 891 of the BRCA2 protein (p.Val891Ala). The valine residue is weakly conserved and there is a small physicochemical difference between valine and alanine.